The following is an entry in ClinVar:

NM_014225.6(PPP2R1A):c.533C>G (p.Thr178Ser)

Gene: PPP2R1A (protein phosphatase 2 scaffold subunit Aalpha; plus strand). Cytogenetic location: 19q13.41.
Variant type: single nucleotide variant.
Coding change: c.533C>G on transcript NM_014225.6 (MANE Select); coding-DNA position 533, C replaced by G.
Protein change: p.Thr178Ser; replaces threonine 178 with serine.
Molecular consequence: missense variant. On other transcripts: 5 prime UTR variant (1), non-coding transcript variant (1).
Genome position (GRCh38, 1-based): chr19:52,212,715, C>G. VCF-style: chr19-52212715-C-G. GRCh37 (hg19) VCF-style: chr19-52715968-C-G.
Other names: c.-5C>G (NM_001363656.2); short protein forms T178S.
Identifiers: ClinVar variation 2111640 (VCV002111640.4), dbSNP rs2122334581, ClinGen allele CA407183501.

ClinVar aggregate classification (germline): Uncertain significance (1 of 4 stars; one submission).

Submission:

Labcorp Genetics (formerly Invitae), Labcorp
Classification: Uncertain significance. Last evaluated: 2022-09-01. Review status: criteria provided, single submitter. Criteria: Invitae Variant Classification Sherloc (09022015). Collection method: clinical testing. Allele origin: germline.
Comment: This sequence change replaces threonine, which is neutral and polar, with serine, which is neutral and polar, at codon 178 of the PPP2R1A protein (p.Thr178Ser). This variant is not present in population databases (gnomAD no frequency). This missense change has been observed in individual(s) with clinical features of an intellectual disability syndrome (PMID: 33106617). Algorithms developed to predict the effect of missense changes on protein structure and function are either unavailable or do not agree on the potential impact of this missense change (SIFT: "Deleterious"; PolyPhen-2: "Benign"; Align-GVGD: "Class C55"). In summary, the available evidence is currently insufficient to determine the role of this variant in disease. Therefore, it has been classified as a Variant of Uncertain Significance.

Literature cited by the submitters: PubMed 33106617.